The following is an entry in ClinVar:

ClinVar aggregate classification (germline): Uncertain significance (1 of 4 stars; one submission).

Submission:

GeneDx
Classification: Uncertain significance. Last evaluated: 2024-09-05. Review status: criteria provided, single submitter. Criteria: GeneDx Variant Classification Process June 2021. Collection method: clinical testing. Allele origin: germline. Affected: yes.
Comment: Not observed at significant frequency in large population cohorts (gnomAD); In silico analysis supports that this missense variant has a deleterious effect on protein structure/function; Has not been previously published as pathogenic or benign to our knowledge

NM_001326342.2(CELF2):c.371A>G (p.Gln124Arg)

Gene: CELF2 (CUGBP Elav-like family member 2; plus strand). Cytogenetic location: 10p14.
Variant type: single nucleotide variant.
Coding change: c.371A>G on transcript NM_001326342.2 (MANE Select); coding-DNA position 371, A replaced by G.
Protein change: p.Gln124Arg; replaces glutamine 124 with arginine.
Molecular consequence: missense variant. On other transcripts: 5 prime UTR variant (2).
Genome position (GRCh38, 1-based): chr10:11,249,169, A>G. VCF-style: chr10-11249169-A-G. GRCh37 (hg19) VCF-style: chr10-11291132-A-G.
Other names: c.278A>G, p.Gln93Arg (NM_001025076.2, NM_001083591.1, NM_001326317.2 and 15 more transcripts); c.350A>G, p.Gln117Arg (NM_001025077.3, NM_001326331.2, NM_001326332.2 and 4 more transcripts); c.443A>G, p.Gln148Arg (NM_001326325.2); c.386A>G, p.Gln129Arg (NM_001326326.2, NM_001326327.2); c.-255A>G (NM_001326333.2, NM_001326346.2); c.17A>G, p.Gln6Arg (NM_001326338.2, NM_001326339.2); c.371A>G, p.Gln124Arg (NM_001326340.2, NM_001326341.2, NM_001326343.2 and 4 more transcripts); c.302A>G, p.Gln101Arg (NM_001326347.1); short protein forms Q101R, Q117R, Q124R, Q129R, Q148R, Q6R, Q93R.
Identifiers: ClinVar variation 3767786 (VCV003767786.1).